The following is an entry in ClinVar:

NM_018136.5(ASPM):c.1648C>A (p.Pro550Thr)

Gene: ASPM (assembly factor for spindle microtubules; minus strand). Cytogenetic location: 1q31.3.
Variant type: single nucleotide variant.
Coding change: c.1648C>A on transcript NM_018136.5 (MANE Select); coding-DNA position 1648, C replaced by A.
Protein change: p.Pro550Thr; replaces proline 550 with threonine.
Molecular consequence: missense variant.
Genome position (GRCh38, 1-based): chr1:197,142,604, G>T on the plus strand (C>A on the coding strand, the complement: ASPM is on the minus strand). VCF-style: chr1-197142604-G-T. GRCh37 (hg19) VCF-style: chr1-197111734-G-T.
Other names: c.1648C>A, p.Pro550Thr (NM_001206846.2); short protein forms P550T.
Identifiers: ClinVar variation 1309909 (VCV001309909.3), dbSNP rs764977482, ClinGen allele CA1310676.
Genomic context (GRCh38, chr1:197,142,604, plus strand): 5'-AAGCTGTTGTCGAAGAGGGTGTTACCTCGTTTTTATAACTCTTAGATTTACTTAATATTG[G>T]ATCTATAATTGGAAGATAAGAATGAAAATCTTCTTTTTCCTTTTGATTATTTATTACTTT-3'
Protein context (NP_060606.3, residues 540-560): DFHSYLPIID[Pro550Thr]ILSKSKSYKN

ClinVar aggregate classification (germline): Uncertain significance. Review status: criteria provided, multiple submitters, no conflicts (2 of 4 stars). 2 submissions from 2 submitters: Uncertain significance (2). Last evaluated 2025-06-18.

Conditions:
Inborn genetic diseases. Identifiers: MedGen C0950123, MeSH D030342.

Allele frequency attached by ClinVar (database versions not stated): ExAC 0.00001; gnomAD 0.00001; gnomAD exomes 0.00002 and 0.00017; TOPMed 0.00002.
gnomAD v4.1: 244 of 1,612,702 alleles (0.015%); highest among the groups gnomAD compares: Non-Finnish European, 0.02%; no homozygotes.

Submissions (2):

Ambry Genetics
Classification: Uncertain significance for Inborn genetic diseases. Last evaluated: 2025-06-18. Review status: criteria provided, single submitter. Criteria: Ambry Variant Classification Scheme 2023. Collection method: clinical testing. Allele origin: germline.

GeneDx
Classification: Uncertain significance. Last evaluated: 2019-11-06. Review status: criteria provided, single submitter. Criteria: GeneDx Variant Classification Process June 2021. Collection method: clinical testing. Allele origin: germline. Affected: yes.
Comment: Not observed at a significant frequency in large population cohorts (Lek et al., 2016); In silico analysis, which includes protein predictors and evolutionary conservation, supports that this variant does not alter protein structure/function; Has not been previously published as pathogenic or benign to our knowledge